The following is an entry in ClinVar:

ClinVar aggregate classification (germline): Uncertain significance (1 of 4 stars; one submission).

Conditions:
Inborn genetic diseases. Identifiers: MedGen C0950123, MeSH D030342.

gnomAD v4.1: 3 of 1,613,886 alleles (0.00019%); highest among the groups gnomAD compares: Non-Finnish European, 0.00025%; no homozygotes.

Submission:

Ambry Genetics
Classification: Uncertain significance for Inborn genetic diseases. Last evaluated: 2025-02-02. Review status: criteria provided, single submitter. Criteria: Ambry Variant Classification Scheme 2023. Collection method: clinical testing. Allele origin: germline.
Comment: The p.L498I variant (also known as c.1492C>A), located in coding exon 7 of the SH2B3 gene, results from a C to A substitution at nucleotide position 1492. The leucine at codon 498 is replaced by isoleucine, an amino acid with highly similar properties. This amino acid position is conserved. In addition, this alteration is predicted to be tolerated by in silico analysis. Based on the available evidence, the clinical significance of this variant remains unclear.

NM_005475.3(SH2B3):c.1492C>A (p.Leu498Ile)

Gene: SH2B3 (SH2B adaptor protein 3; plus strand). Cytogenetic location: 12q24.12.
Variant type: single nucleotide variant.
Coding change: c.1492C>A on transcript NM_005475.3 (MANE Select); coding-DNA position 1492, C replaced by A.
Protein change: p.Leu498Ile; replaces leucine 498 with isoleucine.
Molecular consequence: missense variant.
Genome position (GRCh38, 1-based): chr12:111,448,066, C>A. VCF-style: chr12-111448066-C-A. GRCh37 (hg19) VCF-style: chr12-111885870-C-A.
Other names: c.886C>A, p.Leu296Ile (NM_001291424.1); short protein forms L296I, L498I.
Identifiers: ClinVar variation 3795158 (VCV003795158.1).